The following is an entry in ClinVar:

ClinVar aggregate classification (germline): Pathogenic (1 of 4 stars; one submission).

Conditions:
Alport syndrome. Also called: Hemorrhagic familial nephritis; Hemorrhagic hereditary nephritis; Congenital hereditary hematuria. Identifiers: Orphanet 63, MedGen C1567741, MONDO:0018965.

Submission:

Myriad Genetics, Inc.
Classification: Pathogenic for Alport syndrome. Last evaluated: 2024-03-11. Review status: criteria provided, single submitter. Criteria: Myriad Autosomal Dominant, Autosomal Recessive and X-Linked Classification Criteria (2023). Collection method: clinical testing. Allele origin: unknown.
Comment: NM_000092.4(COL4A4):c.2727delG(L910Cfs*40) is expected to be pathogenic in the context of Alport syndrome, COL4A4-related. This variant is predicted to lead to an abnormal or absent protein product due to the creation of a premature termination codon in COL4A4, a gene where loss-of-function variants are known to be pathogenic. Please note: this variant was assessed in the context of healthy population screening.

NM_000092.5(COL4A4):c.2727del (p.Leu910fs)

Gene: COL4A4 (collagen type IV alpha 4 chain; minus strand). Cytogenetic location: 2q36.3.
Variant type: Deletion.
Coding change: c.2727del on transcript NM_000092.5 (MANE Select); coding-DNA position 2727, one base deleted (G; older notation c.2727delG).
Protein change: p.Leu910fs; shifts the reading frame from leucine 910.
Molecular consequence: frameshift variant.
Genome position (GRCh38, 1-based): chr2:227,054,727, C deleted on the plus strand (G on the coding strand, the reverse complement: COL4A4 is on the minus strand); the first of 5 consecutive C bases (chr2:227,054,727-227,054,731); deleting any one gives the same sequence. VCF-style (leftmost placement, unchanged base first): chr2-227054726-GC-G. GRCh37 (hg19) VCF-style: chr2-227919442-GC-G.
Other names: short protein forms L910fs.
Identifiers: ClinVar variation 5012815 (VCV005012815.1).